The following is an entry in ClinVar:

ClinVar aggregate classification (germline): Likely pathogenic. Review status: criteria provided, multiple submitters, no conflicts (2 of 4 stars). 2 submissions from 2 submitters: Likely pathogenic (2). Last evaluated 2024-01-18.

Conditions:
Proteinuria, chronic benign. Identifiers: MedGen C5394384, MONDO:0030042, OMIM 618884.
Imerslund-Grasbeck syndrome type 1 (IGS1). Also called: Megaloblastic anemia 1, Finnish type; Imerslund-Gräsbeck syndrome 1; MEGALOBLASTIC ANEMIA, 1. Identifiers: MedGen C4016819, MONDO:0100156, OMIM 261100.
Imerslund-Grasbeck syndrome. Also called: Imerslund-Gräsbeck syndrome; ENTEROCYTE COBALAMIN MALABSORPTION; ENTEROCYTE INTRINSIC FACTOR RECEPTOR, DEFECT OF; PERNICIOUS ANEMIA, JUVENILE, DUE TO SELECTIVE INTESTINAL MALABSORPTION OF VITAMIN B12, WITH PROTEINURIA; Megaloblastic anemia due to inborn errors of metabolism. Identifiers: Orphanet 35858, MedGen C4551825, MONDO:0009853.

Allele frequency attached by ClinVar (database versions not stated): gnomAD exomes 0.00001 and below 0.00001; ExAC 0.00001; TOPMed 0.00001.

Submissions (2):

Fulgent Genetics
Classification: Likely pathogenic for Imerslund-Grasbeck syndrome type 1; Proteinuria, chronic benign. Last evaluated: 2024-01-18. Review status: criteria provided, single submitter. Criteria: ACMG Guidelines, 2015. Collection method: clinical testing. Allele origin: germline.

Labcorp Genetics (formerly Invitae), Labcorp
Classification: Likely pathogenic for Imerslund-Grasbeck syndrome. Last evaluated: 2020-08-18. Review status: criteria provided, single submitter. Criteria: Invitae Variant Classification Sherloc (09022015). Collection method: clinical testing. Allele origin: germline.
Comment: This sequence change affects an acceptor splice site in intron 45 of the CUBN gene. It is expected to disrupt RNA splicing and likely results in an absent or disrupted protein product. In summary, the currently available evidence indicates that the variant is pathogenic, but additional data are needed to prove that conclusively. Therefore, this variant has been classified as Likely Pathogenic. Donor and acceptor splice site variants typically lead to a loss of protein function (PMID: 16199547), and loss-of-function variants in CUBN are known to be pathogenic (PMID: 15024727, 22929189). Algorithms developed to predict the effect of sequence changes on RNA splicing suggest that this variant may disrupt the consensus splice site, but this prediction has not been confirmed by published transcriptional studies. This variant has not been reported in the literature in individuals with CUBN-related conditions. This variant is present in population databases (rs756427983, ExAC 0.002%).

Literature cited by the submitters: PubMed 16199547 (cited by Labcorp Genetics (formerly Invitae), Labcorp); PubMed 15024727 (cited by Labcorp Genetics (formerly Invitae), Labcorp); PubMed 22929189 (cited by Labcorp Genetics (formerly Invitae), Labcorp).

NM_001081.4(CUBN):c.7001-2del

Gene: CUBN (cubilin; minus strand). Cytogenetic location: 10p13.
Variant type: Deletion.
Coding change: c.7001-2del on transcript NM_001081.4 (MANE Select); the canonical splice acceptor site of the intron before coding-DNA position 7001, one base deleted (A; older notation c.7001-2delA).
Molecular consequence: splice acceptor variant.
Genome position (GRCh38, 1-based): chr10:16,916,032, T deleted on the plus strand (A on the coding strand, the reverse complement: CUBN is on the minus strand). VCF-style (leftmost placement, unchanged base first): chr10-16916031-CT-C. GRCh37 (hg19) VCF-style: chr10-16958030-CT-C.
Identifiers: ClinVar variation 1066455 (VCV001066455.9), dbSNP rs756427983, ClinGen allele CA5423478.